The following is an entry in ClinVar:

ClinVar aggregate classification (germline): Uncertain significance. Review status: criteria provided, multiple submitters, no conflicts (2 of 4 stars). 5 submissions from 5 submitters: Uncertain significance (4). 1 of the submissions does not count toward it. Last evaluated 2022-12-01.

Conditions:
CYP7B1-related disorder. Also called: CYP7B1-related condition.
Spastic paraplegia. Identifiers: MedGen C0037772, HP:0001258.
Hereditary spastic paraplegia. Also called: Familial spastic paraparesis. Identifiers: Orphanet 685, MedGen C0037773, MONDO:0019064. Disease mechanism: loss of function.

Allele frequency attached by ClinVar (database versions not stated): ExAC 0.00006; gnomAD exomes 0.00002 and 0.00004; gnomAD 0.00003 and 0.00004; TOPMed 0.00004.
gnomAD v4.1: 34 of 1,613,404 alleles (0.0021%); highest among the groups gnomAD compares: Admixed American, 0.005%; no homozygotes.

Submissions (5):

CeGaT Center for Human Genetics Tuebingen
Classification: Uncertain significance. Last evaluated: 2022-12-01. Review status: criteria provided, single submitter. Criteria: CeGaT Center For Human Genetics Tuebingen Variant Classification Criteria Version 2. Collection method: clinical testing. Allele origin: germline. Affected: yes. Observed: 1 variant allele.
Comment: CYP7B1: PM2, BP4

Labcorp Genetics (formerly Invitae), Labcorp
Classification: Uncertain significance for Spastic paraplegia. Last evaluated: 2021-08-26. Review status: criteria provided, single submitter. Criteria: Invitae Variant Classification Sherloc (09022015). Collection method: clinical testing. Allele origin: germline.
Comment: This sequence change replaces glutamic acid with lysine at codon 278 of the CYP7B1 protein (p.Glu278Lys). The glutamic acid residue is moderately conserved and there is a small physicochemical difference between glutamic acid and lysine. This variant is present in population databases (rs751907012, ExAC 0.03%). This variant has not been reported in the literature in individuals affected with CYP7B1-related conditions. Algorithms developed to predict the effect of missense changes on protein structure and function output the following: SIFT: "Tolerated"; PolyPhen-2: "Benign"; Align-GVGD: "Class C0". The lysine amino acid residue is found in multiple mammalian species, which suggests that this missense change does not adversely affect protein function. In summary, the available evidence is currently insufficient to determine the role of this variant in disease. Therefore, it has been classified as a Variant of Uncertain Significance.

Genome Diagnostics Laboratory, The Hospital for Sick Children
Classification: Uncertain significance for Hereditary spastic paraplegia. Last evaluated: 2020-08-24. Review status: criteria provided, single submitter. Criteria: ACMG Guidelines, 2015. Collection method: clinical testing. Allele origin: germline. Affected: yes.

Eurofins Ntd Llc (ga)
Classification: Uncertain significance. Last evaluated: 2017-02-23. Review status: criteria provided, single submitter. Criteria: EGL Classification Definitions 2015. Collection method: clinical testing. Allele origin: germline. Observed: 3 variant alleles, 3 heterozygotes.

PreventionGenetics, part of Exact Sciences
Classification: Uncertain significance for CYP7B1-related condition. Last evaluated: 2024-03-09. Review status: no assertion criteria provided. Collection method: clinical testing. Allele origin: germline. Not counted in ClinVar's aggregate classification.
Comment: The CYP7B1 c.832G>A variant is predicted to result in the amino acid substitution p.Glu278Lys. To our knowledge, this variant has not been reported in the literature. This variant is reported in 0.020% of alleles in individuals of East Asian descent in gnomAD. At this time, the clinical significance of this variant is uncertain due to the absence of conclusive functional and genetic evidence.

NM_004820.5(CYP7B1):c.832G>A (p.Glu278Lys)

Gene: CYP7B1 (cytochrome P450 family 7 subfamily B member 1; minus strand). Cytogenetic location: 8q12.3.
Variant type: single nucleotide variant.
Coding change: c.832G>A on transcript NM_004820.5 (MANE Select); coding-DNA position 832, G replaced by A.
Protein change: p.Glu278Lys; replaces glutamic acid 278 with lysine.
Molecular consequence: missense variant.
Genome position (GRCh38, 1-based): chr8:64,615,709, C>T on the plus strand (G>A on the coding strand, the complement: CYP7B1 is on the minus strand). VCF-style: chr8-64615709-C-T. GRCh37 (hg19) VCF-style: chr8-65528266-C-T.
Other names: c.832G>A, p.Glu278Lys (NM_001324112.2); short protein forms E278K.
Identifiers: ClinVar variation 458232 (VCV000458232.36), dbSNP rs751907012, ClinGen allele CA4764144.